The following is an entry in ClinVar:

NM_012123.4(MTO1):c.1086C>G (p.Ile362Met)

Gene: MTO1 (mitochondrial tRNA translation optimization 1; plus strand). Cytogenetic location: 6q13.
Variant type: single nucleotide variant.
Coding change: c.1086C>G on transcript NM_012123.4 (MANE Select); coding-DNA position 1086, C replaced by G.
Protein change: p.Ile362Met; replaces isoleucine 362 with methionine.
Molecular consequence: missense variant.
Genome position (GRCh38, 1-based): chr6:73,480,083, C>G. VCF-style: chr6-73480083-C-G. GRCh37 (hg19) VCF-style: chr6-74189806-C-G.
Other names: p.Ile362Met; c.1086C>G, p.Ile362Met (NM_001123226.2, NM_133645.3); short protein forms I362M.
Identifiers: ClinVar variation 414886 (VCV000414886.19), dbSNP rs147329295, ClinGen allele CA3889519.

ClinVar aggregate classification (germline): Benign/Likely benign. Review status: criteria provided, multiple submitters, no conflicts (2 of 4 stars). 6 submissions from 6 submitters: Benign (3); Likely benign (3). Last evaluated 2026-05-01.

Conditions:
Mitochondrial hypertrophic cardiomyopathy with lactic acidosis due to MTO1 deficiency. Also called: CARDIOMYOPATHY, INFANTILE HYPERTROPHIC MITOCHONDRIAL, AND LACTIC ACIDOSIS; Combined oxidative phosphorylation deficiency 10. Identifiers: Orphanet 314637, MedGen C4749921, MONDO:0013865, OMIM 614702.

Allele frequency attached by ClinVar (database versions not stated): gnomAD exomes 0.00068; ExAC 0.00085; 1000 Genomes Project 0.00200; 1000 Genomes Project 30x 0.00265; gnomAD 0.00286 and 0.00309; ESP Exome Variant Server 0.00308; TOPMed 0.00309.
gnomAD v4.1: 810 of 1,614,034 alleles (0.05%); highest among the groups gnomAD compares: African/African-American, 0.95%; 3 homozygotes.

Submissions (6):

CeGaT Center for Human Genetics Tuebingen
Classification: Benign. Last evaluated: 2026-05-01. Review status: criteria provided, single submitter. Criteria: CeGaT Center For Human Genetics Tuebingen Variant Classification Criteria Version 2. Collection method: clinical testing. Allele origin: germline. Affected: yes. Observed: 1 variant allele.
Comment: MTO1: BS1, BS2

Labcorp Genetics (formerly Invitae), Labcorp
Classification: Benign for Mitochondrial hypertrophic cardiomyopathy with lactic acidosis due to MTO1 deficiency. Last evaluated: 2026-02-01. Review status: criteria provided, single submitter. Criteria: Invitae Variant Classification Sherloc (09022015). Collection method: clinical testing. Allele origin: germline.

Mayo Clinic Laboratories, Mayo Clinic
Classification: Likely benign. Last evaluated: 2025-06-13. Review status: criteria provided, single submitter. Criteria: ACMG Guidelines, 2015. Collection method: clinical testing. Allele origin: germline. Observed: 6 variant alleles.
Comment: BS1

Blueprint Genetics
Classification: Likely benign. Last evaluated: 2024-11-26. Review status: criteria provided, single submitter. Criteria: ACMG Guidelines, 2015. Collection method: clinical testing. Allele origin: germline.

GeneDx
Classification: Benign. Last evaluated: 2020-03-30. Review status: criteria provided, single submitter. Criteria: GeneDx Variant Classification Process June 2021. Collection method: clinical testing. Allele origin: germline. Affected: yes.

Center for Pediatric Genomic Medicine, Children's Mercy Hospital and Clinics
Classification: Likely benign. Last evaluated: 2017-06-16. Review status: criteria provided, single submitter. Criteria: ACMG Guidelines, 2015. Collection method: clinical testing. Allele origin: germline.